The following is an entry in ClinVar:

NM_005591.4(MRE11):c.529G>C (p.Ala177Pro)

Gene: MRE11 (MRE11 double strand break repair nuclease; minus strand). Cytogenetic location: 11q21.
Variant type: single nucleotide variant.
Coding change: c.529G>C on transcript NM_005591.4 (MANE Select); coding-DNA position 529, G replaced by C.
Protein change: p.Ala177Pro; replaces alanine 177 with proline.
Molecular consequence: missense variant.
Genome position (GRCh38, 1-based): chr11:94,478,750, C>G on the plus strand (G>C on the coding strand, the complement: MRE11 is on the minus strand). VCF-style: chr11-94478750-C-G. GRCh37 (hg19) VCF-style: chr11-94211916-C-G.
Other names: c.529G>C, p.Ala177Pro (NM_001330347.2, NM_005590.4); short protein forms A177P.
Identifiers: ClinVar variation 1681623 (VCV001681623.8), dbSNP rs142996063, ClinGen allele CA382377269.

ClinVar aggregate classification (germline): Uncertain significance (1 of 4 stars; one submission).

Conditions:
Ataxia-telangiectasia-like disorder (ATLD). Identifiers: MedGen C1858391, MONDO:0011457.

Submission:

Labcorp Genetics (formerly Invitae), Labcorp
Classification: Uncertain significance for Ataxia-telangiectasia-like disorder. Last evaluated: 2021-02-18. Review status: criteria provided, single submitter. Criteria: Invitae Variant Classification Sherloc (09022015). Collection method: clinical testing. Allele origin: germline.
Comment: This variant has not been reported in the literature in individuals with MRE11-related conditions. In summary, the available evidence is currently insufficient to determine the role of this variant in disease. Therefore, it has been classified as a Variant of Uncertain Significance. Algorithms developed to predict the effect of missense changes on protein structure and function (SIFT, PolyPhen-2, Align-GVGD) all suggest that this variant is likely to be disruptive, but these predictions have not been confirmed by published functional studies and their clinical significance is uncertain. This variant is not present in population databases (ExAC no frequency). This sequence change replaces alanine with proline at codon 177 of the MRE11 protein (p.Ala177Pro). The alanine residue is highly conserved and there is a small physicochemical difference between alanine and proline.